The following is an entry in ClinVar:

NM_004393.6(DAG1):c.1465del (p.Arg489fs)

Gene: DAG1 (dystroglycan 1; plus strand). Cytogenetic location: 3p21.31.
Variant type: Deletion.
Coding change: c.1465del on transcript NM_004393.6 (MANE Select); coding-DNA position 1465, one base deleted (C; older notation c.1465delC).
Protein change: p.Arg489fs; shifts the reading frame from arginine 489.
Molecular consequence: frameshift variant.
Genome position (GRCh38, 1-based): chr3:49,531,976, C deleted; the last of 4 consecutive C bases (chr3:49,531,973-49,531,976); deleting any one gives the same sequence. VCF-style (leftmost placement, unchanged base first): chr3-49531972-GC-G. GRCh37 (hg19) VCF-style: chr3-49569405-GC-G.
Other names: c.1465del, p.Arg489fs (NM_001177642.3, NM_001177643.3, NM_001177644.3 and 9 more transcripts); short protein forms R489fs.
Identifiers: ClinVar variation 1509830 (VCV001509830.9), dbSNP rs2107939163, ClinGen allele CA2573137184.
Genomic context (GRCh38, chr3:49,531,972, plus strand): 5'-CATCACCAGATTGGAAACTGCCTCACCGCCTACTCGTATTCGCACCACCACCAGTGGAGT[GC>G]CCCGTGGCGGAGAACCCAACCAGCGCCCAGAGCTCAAGAACCATATTGACAGGGTAGATG-3'

ClinVar aggregate classification (germline): Uncertain significance (1 of 4 stars; one submission).

Conditions:
Muscular dystrophy-dystroglycanopathy (congenital with brain and eye anomalies), type A9. Also called: Muscular dystrophy-dystroglycanopathy (congenital with brain and eye anomalies), type a, 9; WALKER-WARBURG SYNDROME OR MUSCLE-EYE BRAIN DISEASE, DAG1-RELATED. Identifiers: Orphanet 370997, Orphanet 899, MedGen C4225291, MONDO:0014683, OMIM 616538.
Autosomal recessive limb-girdle muscular dystrophy type 2P. Also called: Limb-Girdle Muscular Dystrophy Type 9C; MUSCULAR DYSTROPHY, LIMB-GIRDLE, TYPE 2P; MUSCULAR DYSTROPHY-DYSTROGLYCANOPATHY, LIMB-GIRDLE, DAG1-RELATED. Identifiers: Orphanet 280333, MedGen C4511963, MONDO:0013440, OMIM 613818.

Submission:

Labcorp Genetics (formerly Invitae), Labcorp
Classification: Uncertain significance for Autosomal recessive limb-girdle muscular dystrophy type 2P; Muscular dystrophy-dystroglycanopathy (congenital with brain and eye anomalies), type A9. Last evaluated: 2021-04-06. Review status: criteria provided, single submitter. Criteria: Invitae Variant Classification Sherloc (09022015). Collection method: clinical testing. Allele origin: germline.
Comment: In summary, the available evidence is currently insufficient to determine the role of this variant in disease. Therefore, it has been classified as a Variant of Uncertain Significance. Experimental studies and prediction algorithms are not available or were not evaluated, and the functional significance of this variant is currently unknown. This variant has not been reported in the literature in individuals with DAG1-related conditions. This variant is not present in population databases (ExAC no frequency). This sequence change creates a premature translational stop signal (p.Arg489Valfs*18) in the DAG1 gene. While this is not anticipated to result in nonsense mediated decay, it is expected to disrupt the last 407 amino acid(s) of the DAG1 protein.